The following is an entry in ClinVar:

NM_138409.4(MRAP2):c.295G>C (p.Glu99Gln)

Gene: MRAP2 (melanocortin 2 receptor accessory protein 2; plus strand). Cytogenetic location: 6q14.2.
Variant type: single nucleotide variant.
Coding change: c.295G>C on transcript NM_138409.4 (MANE Select); coding-DNA position 295, G replaced by C.
Protein change: p.Glu99Gln; replaces glutamic acid 99 with glutamine.
Molecular consequence: missense variant.
Genome position (GRCh38, 1-based): chr6:84,089,158, G>C. VCF-style: chr6-84089158-G-C. GRCh37 (hg19) VCF-style: chr6-84798877-G-C.
Other names: c.37G>C, p.Glu13Gln (NM_001346541.2); c.295G>C, p.Glu99Gln (NM_001346542.2, NM_001346544.2); c.130G>C, p.Glu44Gln (NM_001346543.2); short protein forms E13Q, E99Q, E44Q.
Identifiers: ClinVar variation 4980770 (VCV004980770.1).

ClinVar aggregate classification (germline): Uncertain significance (1 of 4 stars; one submission).

Conditions:
MRAP2-related disorder. Also called: MRAP2-related condition.

gnomAD v4.1: 10 of 1,614,048 alleles (0.00062%); highest among the groups gnomAD compares: Non-Finnish European, 0.00085%; no homozygotes.

Submission:

PreventionGenetics, part of Exact Sciences
Classification: Uncertain significance for MRAP2-related condition. Last evaluated: 2026-06-16. Review status: criteria provided, single submitter. Criteria: ACMG Guidelines, 2015. Collection method: clinical testing. Allele origin: germline.
Comment: The MRAP2 c.295G>C variant is predicted to result in the amino acid substitution p.Glu99Gln. This variant was reported in an individual with obesity with functional studies showing no significant difference from wild type activity (Baron et al. 2020. PubMed ID: 31700171). This variant is reported in 0.0023% of alleles in individuals of European (Non-Finnish) descent in gnomAD. At this time, the clinical significance of this variant is uncertain due to the absence of conclusive functional and genetic evidence.